The following is an entry in ClinVar:

ClinVar aggregate classification (germline): Uncertain significance (1 of 4 stars; one submission).

Submission:

CeGaT Center for Human Genetics Tuebingen
Classification: Uncertain significance. Last evaluated: 2023-02-01. Review status: criteria provided, single submitter. Criteria: CeGaT Center For Human Genetics Tuebingen Variant Classification Criteria Version 2. Collection method: clinical testing. Allele origin: germline. Affected: yes. Observed: 1 variant allele.
Comment: SETD1A: PM2, BP4

NM_014712.3(SETD1A):c.2769C>G (p.Asp923Glu)

Gene: SETD1A (SET domain containing 1A, histone lysine methyltransferase; plus strand). Cytogenetic location: 16p11.2.
Variant type: single nucleotide variant.
Coding change: c.2769C>G on transcript NM_014712.3 (MANE Select); coding-DNA position 2769, C replaced by G.
Protein change: p.Asp923Glu; replaces aspartic acid 923 with glutamic acid.
Molecular consequence: missense variant.
Genome position (GRCh38, 1-based): chr16:30,967,587, C>G. VCF-style: chr16-30967587-C-G. GRCh37 (hg19) VCF-style: chr16-30978908-C-G.
Other names: short protein forms D923E.
Identifiers: ClinVar variation 2646441 (VCV002646441.24), dbSNP rs763265030, ClinGen allele CA395621047.